The following is an entry in ClinVar:

NM_183050.4(BCKDHB):c.964A>G (p.Thr322Ala)

Gene: BCKDHB (branched chain keto acid dehydrogenase E1 subunit beta; plus strand). Cytogenetic location: 6q14.1.
Variant type: single nucleotide variant.
Coding change: c.964A>G on transcript NM_183050.4 (MANE Select); coding-DNA position 964, A replaced by G.
Protein change: p.Thr322Ala; replaces threonine 322 with alanine.
Molecular consequence: missense variant. On other transcripts: non-coding transcript variant (1).
Genome position (GRCh38, 1-based): chr6:80,273,147, A>G. VCF-style: chr6-80273147-A-G. GRCh37 (hg19) VCF-style: chr6-80982864-A-G.
Other names: c.964A>G, p.Thr322Ala (NM_000056.5); c.754A>G, p.Thr252Ala (NM_001318975.1); c.964A>G (NM_183050.3); short protein forms T322A, T252A.
Identifiers: ClinVar variation 224061 (VCV000224061.3), dbSNP rs869312131, ClinGen allele CA354915.

ClinVar aggregate classification (germline): Pathogenic/Likely pathogenic. Review status: criteria provided, multiple submitters, no conflicts (2 of 4 stars). 2 submissions from 2 submitters: Pathogenic (1); Likely pathogenic (1). Last evaluated 2025-10-30.

Conditions:
Maple syrup urine disease type 1B (MSUD1B). Also called: MSUD type IB; MSUD type 3 (formerly); MSUD due to deficiency of e1-beta subunit of branched-chain alpha-keto acid dehydrogenase complex. Identifiers: MedGen C2930990, MONDO:0023692, OMIM 620698.
Maple syrup urine disease (MSUD). Identifiers: Orphanet 511, MedGen C0024776, MeSH D008375, MONDO:0009563. Disease mechanism: loss of function.

Submissions (2):

Natera, Inc.
Classification: Likely pathogenic for Maple syrup urine disease type 1B. Last evaluated: 2025-10-30. Review status: criteria provided, single submitter. Criteria: Natera Variant Classification Schema (03/2026). Collection method: clinical testing. Allele origin: germline.
Comment: The c.964A>G variant in BCKDHB is a missense variant predicted to cause substitution of threonine to alanine at amino acid 322. This variant is rare in the general population with a frequency below the threshold expected for the associated phenotype(s). This variant has been observed in one or more individuals affected with the associated recessive disease, as either homozygous or compound heterozygous with a second variant (PMID: 26257134). A different variant at the same position has been determined to be Pathogenic or Likely Pathogenic. Computational prediction algorithms indicate this variant is likely to affect gene or protein function. Given the available evidence, this variant is classified as Likely Pathogenic.

Institute of Medical Genetics and Genomics, Sir Ganga Ram Hospital
Classification: Pathogenic for Maple syrup urine disease type 1A. Last evaluated: 2013-01-01. Review status: criteria provided, single submitter. Criteria: Submitter's publication. Collection method: research. Allele origin: germline. Affected: yes. Observed: 1 variant allele.

Literature cited by the submitters: PubMed 26257134 (cited by Natera, Inc.); PubMed 22593002 (cited by Institute of Medical Genetics and Genomics, Sir Ganga Ram Hospital).